The following is an entry in ClinVar:

NM_030962.4(SBF2):c.1163A>G (p.His388Arg)

Gene: SBF2 (SET binding factor 2; minus strand). Cytogenetic location: 11p15.4.
Variant type: single nucleotide variant.
Coding change: c.1163A>G on transcript NM_030962.4 (MANE Select); coding-DNA position 1163, A replaced by G.
Protein change: p.His388Arg; replaces histidine 388 with arginine.
Molecular consequence: missense variant.
Genome position (GRCh38, 1-based): chr11:9,992,994, T>C on the plus strand (A>G on the coding strand, the complement: SBF2 is on the minus strand). VCF-style: chr11-9992994-T-C. GRCh37 (hg19) VCF-style: chr11-10014541-T-C.
Other names: c.1163A>G, p.His388Arg (NM_001386339.1, NM_001386342.1); short protein forms H388R.
Identifiers: ClinVar variation 1433707 (VCV001433707.8), dbSNP rs1397329019, ClinGen allele CA379637745.

ClinVar aggregate classification (germline): Uncertain significance (1 of 4 stars; one submission).

Conditions:
Charcot-Marie-Tooth disease type 4. Also called: Charcot-Marie-Tooth disease, type IV; Charcot-Marie-Tooth, Type 4. Identifiers: Orphanet 64749, MedGen C4082197, MONDO:0018995.

Allele frequency attached by ClinVar (database versions not stated): gnomAD exomes below 0.00001; gnomAD 0.00001.
gnomAD v4.1: 2 of 1,596,302 alleles (0.00013%); highest among the groups gnomAD compares: Non-Finnish European, 0.00017%; no homozygotes.

Submission:

Labcorp Genetics (formerly Invitae), Labcorp
Classification: Uncertain significance for Charcot-Marie-Tooth disease type 4. Last evaluated: 2020-11-13. Review status: criteria provided, single submitter. Criteria: Invitae Variant Classification Sherloc (09022015). Collection method: clinical testing. Allele origin: germline.
Comment: This sequence change replaces histidine with arginine at codon 388 of the SBF2 protein (p.His388Arg). The histidine residue is highly conserved and there is a small physicochemical difference between histidine and arginine. This variant is not present in population databases (ExAC no frequency). This variant has not been reported in the literature in individuals with SBF2-related conditions. Algorithms developed to predict the effect of missense changes on protein structure and function are either unavailable or do not agree on the potential impact of this missense change (SIFT: "Deleterious"; PolyPhen-2: "Probably Damaging"; Align-GVGD: "Class C0"). In summary, the available evidence is currently insufficient to determine the role of this variant in disease. Therefore, it has been classified as a Variant of Uncertain Significance.